The following is an entry in ClinVar:

NM_032119.4(ADGRV1):c.7880T>G (p.Val2627Gly)

Gene: ADGRV1 (adhesion G protein-coupled receptor V1; plus strand). Cytogenetic location: 5q14.3.
Variant type: single nucleotide variant.
Coding change: c.7880T>G on transcript NM_032119.4 (MANE Select); coding-DNA position 7880, T replaced by G.
Protein change: p.Val2627Gly; replaces valine 2627 with glycine.
Molecular consequence: missense variant. On other transcripts: non-coding transcript variant (1).
Genome position (GRCh38, 1-based): chr5:90,694,636, T>G. VCF-style: chr5-90694636-T-G. GRCh37 (hg19) VCF-style: chr5-89990453-T-G.
Other names: short protein forms V2627G.
Identifiers: ClinVar variation 2982249 (VCV002982249.3), dbSNP rs2530958541, ClinGen allele CA360382216.
Genomic context (GRCh38, chr5:90,694,636, plus strand): 5'-AGCTGATGATACACAGGACAGGGGGCAGCTTAGGTCAAGTGGCAGTCGAATGGCGTGTTG[T>G]TGGTGGAACAGCTACTGAAGGTTTAGATTTTATAGGTGCTGGAGAGATTCTGACCTTTGC-3'
Protein context (NP_115495.3, residues 2617-2637): LGQVAVEWRV[Val2627Gly]GGTATEGLDF

ClinVar aggregate classification (germline): Uncertain significance (1 of 4 stars; one submission).

Submission:

Labcorp Genetics (formerly Invitae), Labcorp
Classification: Uncertain significance. Last evaluated: 2023-08-04. Review status: criteria provided, single submitter. Criteria: Invitae Variant Classification Sherloc (09022015). Collection method: clinical testing. Allele origin: germline.
Comment: In summary, the available evidence is currently insufficient to determine the role of this variant in disease. Therefore, it has been classified as a Variant of Uncertain Significance. Advanced modeling of protein sequence and biophysical properties (such as structural, functional, and spatial information, amino acid conservation, physicochemical variation, residue mobility, and thermodynamic stability) performed at Invitae indicates that this missense variant is not expected to disrupt ADGRV1 protein function. This variant has not been reported in the literature in individuals affected with ADGRV1-related conditions. This variant is not present in population databases (gnomAD no frequency). This sequence change replaces valine, which is neutral and non-polar, with glycine, which is neutral and non-polar, at codon 2627 of the ADGRV1 protein (p.Val2627Gly).